The following is an entry in ClinVar:

ClinVar aggregate classification (germline): Uncertain significance (1 of 4 stars; one submission).

Submission:

GeneDx
Classification: Uncertain significance. Last evaluated: 2023-04-14. Review status: criteria provided, single submitter. Criteria: GeneDx Variant Classification Process June 2021. Collection method: clinical testing. Allele origin: germline. Affected: yes.
Comment: Not observed at significant frequency in large population cohorts (gnomAD); In silico analysis supports that this missense variant does not alter protein structure/function; Has not been previously published as pathogenic or benign to our knowledge

NM_032436.4(CHAMP1):c.2017A>T (p.Met673Leu)

Gene: CHAMP1 (chromosome alignment maintaining phosphoprotein 1; plus strand). Cytogenetic location: 13q34.
Variant type: single nucleotide variant.
Coding change: c.2017A>T on transcript NM_032436.4 (MANE Select); coding-DNA position 2017, A replaced by T.
Protein change: p.Met673Leu; replaces methionine 673 with leucine.
Molecular consequence: missense variant.
Genome position (GRCh38, 1-based): chr13:114,325,859, A>T. VCF-style: chr13-114325859-A-T. GRCh37 (hg19) VCF-style: chr13-115091334-A-T.
Other names: c.2017A>T, p.Met673Leu (NM_001164144.3, NM_001164145.3); short protein forms M673L.
Identifiers: ClinVar variation 2662657 (VCV002662657.1), dbSNP rs533342855, ClinGen allele CA388850203.